The following is an entry in ClinVar:

NM_022788.5(P2RY12):c.2T>C (p.Met1Thr)

Genes: MED12L (mediator complex subunit 12L; plus strand), P2RY12 (purinergic receptor P2Y12; minus strand). Cytogenetic location: 3q25.1.
Variant type: single nucleotide variant.
Coding change: c.2T>C on transcript NM_022788.5 (MANE Select); coding-DNA position 2, T replaced by C.
Protein change: p.Met1Thr; changes the start codon (methionine 1).
Molecular consequence: missense variant, initiator codon variant. On other transcripts: intron variant (2).
Genome position (GRCh38, 1-based): chr3:151,338,844, A>G on the plus strand (T>C on the coding strand, the complement: P2RY12 is on the minus strand). VCF-style: chr3-151338844-A-G. GRCh37 (hg19) VCF-style: chr3-151056632-A-G.
Other names: c.2T>C, p.Met1Thr (NM_176876.3); c.2251-11215A>G (NM_001393769.1); c.2146-11215A>G (NM_053002.6); short protein forms M1T.
Identifiers: ClinVar variation 1930206 (VCV001930206.6), dbSNP rs764619024, ClinGen allele CA2667926.

ClinVar aggregate classification (germline): Uncertain significance (1 of 4 stars; one submission).

Allele frequency attached by ClinVar (database versions not stated): ExAC 0.00002.
gnomAD v4.1: 7 of 1,613,306 alleles (0.00043%); highest among the groups gnomAD compares: South Asian, 0.0055%; 1 homozygote.

Submission:

Labcorp Genetics (formerly Invitae), Labcorp
Classification: Uncertain significance. Last evaluated: 2022-04-29. Review status: criteria provided, single submitter. Criteria: Invitae Variant Classification Sherloc (09022015). Collection method: clinical testing. Allele origin: germline.
Comment: In summary, the available evidence is currently insufficient to determine the role of this variant in disease. Therefore, it has been classified as a Variant of Uncertain Significance. Studies have shown that disruption of the initiator codon alters P2RY12 gene expression (PMID: 16194207). Disruption of the initiator codon has been observed in individual(s) with bleeding disorder and impaired platelet aggregation (PMID: 16194207). This variant is present in population databases (rs764619024, gnomAD 0.01%). This sequence change affects the initiator methionine of the P2RY12 mRNA. The next in-frame methionine is located at codon 47.

Literature cited by the submitters: PubMed 16194207.